The following is an entry in ClinVar:

NM_001039141.3(TRIOBP):c.1170del (p.Ser391fs)

Gene: TRIOBP (TRIO and F-actin binding protein; plus strand). Cytogenetic location: 22q13.1.
Variant type: Deletion.
Coding change: c.1170del on transcript NM_001039141.3 (MANE Select); coding-DNA position 1170, one base deleted (C; older notation c.1170delC).
Protein change: p.Ser391fs; shifts the reading frame from serine 391.
Molecular consequence: frameshift variant.
Genome position (GRCh38, 1-based): chr22:37,723,726, C deleted; the last of 2 consecutive C bases (chr22:37,723,725-37,723,726); deleting either gives the same sequence. VCF-style (leftmost placement, unchanged base first): chr22-37723724-GC-G. GRCh37 (hg19) VCF-style: chr22-38119731-GC-G.
Other names: short protein forms S391fs.
Identifiers: ClinVar variation 5006488 (VCV005006488.2).

ClinVar aggregate classification (germline): Likely pathogenic (1 of 4 stars; one submission).

Conditions:
Autosomal recessive nonsyndromic hearing loss 28. Identifiers: Orphanet 90636, MedGen C1853276, MONDO:0012355, OMIM 609823.

Submission:

Juno Genomics, Hangzhou Juno Genomics, Inc
Classification: Likely pathogenic for Autosomal recessive nonsyndromic hearing loss 28. Review status: criteria provided, single submitter. Criteria: ACMG Guidelines, 2015. Collection method: clinical testing. Allele origin: germline.
Comment: Null variant in a gene where loss of function (LOF) is a known mechanism of disease.;Absent from controls (or at extremely low frequency if recessive) in Genome Aggregation Database.